The following is an entry in ClinVar:

NM_016729.3(FOLR1):c.321C>T (p.Tyr107=)

Genes: FOLR1-AS1 (FOLR1 antisense RNA 1; minus strand), FOLR1 (folate receptor alpha; plus strand). Cytogenetic location: 11q13.4.
Variant type: single nucleotide variant.
Coding change: c.321C>T on transcript NM_016729.3 (MANE Select); coding-DNA position 321, C replaced by T.
Protein change: p.Tyr107=; no amino-acid change (tyrosine 107 retained).
Molecular consequence: synonymous variant.
Genome position (GRCh38, 1-based): chr11:72,195,423, C>T. VCF-style: chr11-72195423-C-T. GRCh37 (hg19) VCF-style: chr11-71906467-C-T.
Other names: p.Y107Y:TAC>TAT; c.321C>T, p.Tyr107= (NM_000802.3, NM_016724.3, NM_016725.3).
Identifiers: ClinVar variation 137387 (VCV000137387.23), dbSNP rs145674759, ClinGen allele CA290943.

ClinVar aggregate classification (germline): Benign/Likely benign. Review status: criteria provided, multiple submitters, no conflicts (2 of 4 stars). 7 submissions from 7 submitters: Benign (3); Likely benign (4). Last evaluated 2026-01-25.

Conditions:
Inborn genetic diseases. Identifiers: MedGen C0950123, MeSH D030342.
Cerebral folate transport deficiency. Also called: NEURODEGENERATION DUE TO CEREBRAL FOLATE TRANSPORT DEFICIENCY; FOLR1-Related Cerebral Folate Transport Deficiency; Neurodegenerative syndrome due to cerebral folate transport deficiency; FOLATE RECEPTOR DEFICIENCY; Cerebral folate deficiency syndrome. Identifiers: Orphanet 217382, MedGen C2751584, MONDO:0013110, OMIM 613068. Disease mechanism: loss of function.

Allele frequency attached by ClinVar (database versions not stated): gnomAD exomes 0.00052; ExAC 0.00061; 1000 Genomes Project 0.00220; TOPMed 0.00239; ESP Exome Variant Server 0.00246; 1000 Genomes Project 30x 0.00297.
gnomAD v4.1: 564 of 1,614,254 alleles (0.035%); highest among the groups gnomAD compares: African/African-American, 0.68%; 1 homozygote.

Submissions (7):

Labcorp Genetics (formerly Invitae), Labcorp
Classification: Benign for Cerebral folate transport deficiency. Last evaluated: 2026-01-25. Review status: criteria provided, single submitter. Criteria: Invitae Variant Classification Sherloc (09022015). Collection method: clinical testing. Allele origin: germline.

Blueprint Genetics
Classification: Likely benign. Last evaluated: 2024-10-08. Review status: criteria provided, single submitter. Criteria: ACMG Guidelines, 2015. Collection method: clinical testing. Allele origin: germline.

Athena Diagnostics
Classification: Benign. Last evaluated: 2024-02-20. Review status: criteria provided, single submitter. Criteria: Athena Diagnostics Criteria. Collection method: clinical testing. Allele origin: unknown.

Ambry Genetics
Classification: Likely benign for Inborn genetic diseases. Last evaluated: 2017-03-24. Review status: criteria provided, single submitter. Criteria: Ambry Variant Classification Scheme 2023. Collection method: clinical testing. Allele origin: germline.

Eurofins Ntd Llc (ga)
Classification: Likely benign. Last evaluated: 2016-05-06. Review status: criteria provided, single submitter. Criteria: EGL Classification Definitions 2015. Collection method: clinical testing. Allele origin: germline. Observed: 1 variant allele, 1 heterozygote.

GeneDx
Classification: Benign. Last evaluated: 2014-05-01. Review status: criteria provided, single submitter. Criteria: GeneDx Variant Classification (06012015). Collection method: clinical testing. Allele origin: germline. Affected: yes.
Comment: This variant is considered likely benign or benign based on one or more of the following criteria: it is a conservative change, it occurs at a poorly conserved position in the protein, it is predicted to be benign by multiple in silico algorithms, and/or has population frequency not consistent with disease.

PreventionGenetics, part of Exact Sciences
Classification: Likely benign. Review status: criteria provided, single submitter. Criteria: ACMG Guidelines, 2015. Collection method: clinical testing. Allele origin: germline.